The following is an entry in ClinVar:

NM_033124.5(DRC2):c.850C>T (p.Arg284Cys)

Gene: DRC2 (dynein regulatory complex subunit 2; plus strand). Cytogenetic location: 12q13.12.
Variant type: single nucleotide variant.
Coding change: c.850C>T on transcript NM_033124.5 (MANE Select); coding-DNA position 850, C replaced by T.
Protein change: p.Arg284Cys; replaces arginine 284 with cysteine.
Molecular consequence: missense variant.
Genome position (GRCh38, 1-based): chr12:48,918,727, C>T. VCF-style: chr12-48918727-C-T. GRCh37 (hg19) VCF-style: chr12-49312510-C-T.
Other names: c.421C>T, p.Arg141Cys (NM_001286957.2); short protein forms R141C, R284C.
Identifiers: ClinVar variation 1407125 (VCV001407125.7), dbSNP rs780401797, ClinGen allele CA6543361.

ClinVar aggregate classification (germline): Uncertain significance (1 of 4 stars; one submission).

Conditions:
Primary ciliary dyskinesia 27. Also called: CILIARY DYSKINESIA, PRIMARY, 27, WITHOUT SITUS INVERSUS. Identifiers: Orphanet 244, MedGen C3809701, MONDO:0014215, OMIM 615504.

Allele frequency attached by ClinVar (database versions not stated): gnomAD exomes below 0.00001 and 0.00001; ExAC 0.00001; gnomAD 0.00001; TOPMed 0.00001.
gnomAD v4.1: 7 of 1,613,840 alleles (0.00043%); highest among the groups gnomAD compares: East Asian, 0.0045%; no homozygotes.

Submission:

Labcorp Genetics (formerly Invitae), Labcorp
Classification: Uncertain significance for Primary ciliary dyskinesia 27. Last evaluated: 2024-10-24. Review status: criteria provided, single submitter. Criteria: Invitae Variant Classification Sherloc (09022015). Collection method: clinical testing. Allele origin: germline.
Comment: This sequence change replaces arginine, which is basic and polar, with cysteine, which is neutral and slightly polar, at codon 284 of the CCDC65 protein (p.Arg284Cys). This variant is present in population databases (rs780401797, gnomAD 0.006%). This variant has not been reported in the literature in individuals affected with CCDC65-related conditions. ClinVar contains an entry for this variant (Variation ID: 1407125). An algorithm developed to predict the effect of missense changes on protein structure and function (PolyPhen-2) suggests that this variant is likely to be disruptive. In summary, the available evidence is currently insufficient to determine the role of this variant in disease. Therefore, it has been classified as a Variant of Uncertain Significance.